The following is an entry in ClinVar:

ClinVar aggregate classification (germline): Benign (0 of 4 stars; one submission).

Conditions:
KCNJ12-related disorder. Also called: KCNJ12-related condition.

Allele frequency attached by ClinVar (database versions not stated): ExAC 0.47065.

Submission:

PreventionGenetics, part of Exact Sciences
Classification: Benign for KCNJ12-related condition. Last evaluated: 2019-10-17. Review status: no assertion criteria provided. Collection method: clinical testing. Allele origin: germline.
Comment: This variant is classified as benign based on ACMG/AMP sequence variant interpretation guidelines (Richards et al. 2015 PMID: 25741868, with internal and published modifications).

NM_021012.5(KCNJ12):c.294C>T (p.Phe98=)

Gene: KCNJ12 (potassium inwardly rectifying channel subfamily J member 12; plus strand). Cytogenetic location: 17p11.2.
Variant type: single nucleotide variant.
Coding change: c.294C>T on transcript NM_021012.5 (MANE Select); coding-DNA position 294, C replaced by T.
Protein change: p.Phe98=; no amino-acid change (phenylalanine 98 retained).
Molecular consequence: synonymous variant.
Genome position (GRCh38, 1-based): chr17:21,415,636, C>T. VCF-style: chr17-21415636-C-T. GRCh37 (hg19) VCF-style: chr17-21318948-C-T.
Identifiers: ClinVar variation 3060028 (VCV003060028.2), dbSNP rs112314728, ClinGen allele CA8451063.